The following is an entry in ClinVar:

NM_015512.5(DNAH1):c.3027T>C (p.Asn1009=)

Gene: DNAH1 (dynein axonemal heavy chain 1; plus strand). Cytogenetic location: 3p21.1.
Variant type: single nucleotide variant.
Coding change: c.3027T>C on transcript NM_015512.5 (MANE Select); coding-DNA position 3027, T replaced by C.
Protein change: p.Asn1009=; no amino-acid change (asparagine 1009 retained).
Molecular consequence: synonymous variant.
Genome position (GRCh38, 1-based): chr3:52,352,707, T>C. VCF-style: chr3-52352707-T-C. GRCh37 (hg19) VCF-style: chr3-52386723-T-C.
Identifiers: ClinVar variation 4822022 (VCV004822022.4).

ClinVar aggregate classification (germline): Likely benign (1 of 4 stars; one submission).

gnomAD v4.1: 2 of 1,608,278 alleles (0.00012%); highest among the groups gnomAD compares: Non-Finnish European, 0.00017%; no homozygotes.

Submission:

CeGaT Center for Human Genetics Tuebingen
Classification: Likely benign. Last evaluated: 2026-03-01. Review status: criteria provided, single submitter. Criteria: CeGaT Center For Human Genetics Tuebingen Variant Classification Criteria Version 2. Collection method: clinical testing. Allele origin: germline. Affected: yes. Observed: 1 variant allele.
Comment: DNAH1: BP4, BP7